The following is an entry in ClinVar:

ClinVar aggregate classification (germline): Uncertain significance (1 of 4 stars; one submission).

gnomAD v4.1: 1 of 1,610,236 alleles (0.000062%); highest among the groups gnomAD compares: Non-Finnish European, 0.000085%; no homozygotes.

Submission:

Labcorp Genetics (formerly Invitae), Labcorp
Classification: Uncertain significance. Last evaluated: 2024-05-26. Review status: criteria provided, single submitter. Criteria: Invitae Variant Classification Sherloc (09022015). Collection method: clinical testing. Allele origin: germline.
Comment: This sequence change replaces asparagine, which is neutral and polar, with aspartic acid, which is acidic and polar, at codon 198 of the SLC12A6 protein (p.Asn198Asp). This variant is not present in population databases (gnomAD no frequency). This variant has not been reported in the literature in individuals affected with SLC12A6-related conditions. Advanced modeling of protein sequence and biophysical properties (such as structural, functional, and spatial information, amino acid conservation, physicochemical variation, residue mobility, and thermodynamic stability) performed at Invitae indicates that this missense variant is expected to disrupt SLC12A6 protein function with a positive predictive value of 80%. In summary, the available evidence is currently insufficient to determine the role of this variant in disease. Therefore, it has been classified as a Variant of Uncertain Significance.

NM_001365088.1(SLC12A6):c.592A>G (p.Asn198Asp)

Gene: SLC12A6 (solute carrier family 12 member 6; minus strand). Cytogenetic location: 15q14.
Variant type: single nucleotide variant.
Coding change: c.592A>G on transcript NM_001365088.1 (MANE Select); coding-DNA position 592, A replaced by G.
Protein change: p.Asn198Asp; replaces asparagine 198 with aspartic acid.
Molecular consequence: missense variant.
Genome position (GRCh38, 1-based): chr15:34,257,740, T>C on the plus strand (A>G on the coding strand, the complement: SLC12A6 is on the minus strand). VCF-style: chr15-34257740-T-C. GRCh37 (hg19) VCF-style: chr15-34549941-T-C.
Other names: c.415A>G, p.Asn139Asp (NM_001042494.2, NM_001042495.2); c.565A>G, p.Asn189Asp (NM_001042496.2); c.547A>G, p.Asn183Asp (NM_001042497.2); c.439A>G, p.Asn147Asp (NM_005135.2); c.592A>G, p.Asn198Asp (NM_133647.2); short protein forms N139D, N147D, N183D, N189D, N198D.
Identifiers: ClinVar variation 3608084 (VCV003608084.2).